The following is an entry in ClinVar:

ClinVar aggregate classification (germline): Uncertain significance. Review status: criteria provided, multiple submitters, no conflicts (2 of 4 stars). 2 submissions from 2 submitters: Uncertain significance (2). Last evaluated 2023-03-24.

Allele frequency attached by ClinVar (database versions not stated): gnomAD exomes below 0.00001; TOPMed 0.00001; gnomAD 0.00002.
gnomAD v4.1: 10 of 1,613,812 alleles (0.00062%); highest among the groups gnomAD compares: Non-Finnish European, 0.00076%; no homozygotes.

Submissions (2):

Labcorp Genetics (formerly Invitae), Labcorp
Classification: Uncertain significance. Last evaluated: 2023-03-24. Review status: criteria provided, single submitter. Criteria: Invitae Variant Classification Sherloc (09022015). Collection method: clinical testing. Allele origin: germline.
Comment: This sequence change replaces proline, which is neutral and non-polar, with serine, which is neutral and polar, at codon 2385 of the COL7A1 protein (p.Pro2385Ser). In summary, the available evidence is currently insufficient to determine the role of this variant in disease. Therefore, it has been classified as a Variant of Uncertain Significance. Advanced modeling of protein sequence and biophysical properties (such as structural, functional, and spatial information, amino acid conservation, physicochemical variation, residue mobility, and thermodynamic stability) has been performed at Invitae for this missense variant, however the output from this modeling did not meet the statistical confidence thresholds required to predict the impact of this variant on COL7A1 protein function. This variant has not been reported in the literature in individuals affected with COL7A1-related conditions. This variant is present in population databases (rs748453507, gnomAD 0.0009%).

Blueprint Genetics
Classification: Uncertain significance. Last evaluated: 2022-11-09. Review status: criteria provided, single submitter. Criteria: ACMG Guidelines, 2015. Collection method: clinical testing. Allele origin: germline.

NM_000094.4(COL7A1):c.7153C>T (p.Pro2385Ser)

Gene: COL7A1 (collagen type VII alpha 1 chain; minus strand). Cytogenetic location: 3p21.31.
Variant type: single nucleotide variant.
Coding change: c.7153C>T on transcript NM_000094.4 (MANE Select); coding-DNA position 7153, C replaced by T.
Protein change: p.Pro2385Ser; replaces proline 2385 with serine.
Molecular consequence: missense variant.
Genome position (GRCh38, 1-based): chr3:48,571,112, G>A on the plus strand (C>T on the coding strand, the complement: COL7A1 is on the minus strand). VCF-style: chr3-48571112-G-A. GRCh37 (hg19) VCF-style: chr3-48608545-G-A.
Other names: short protein forms P2385S.
Identifiers: ClinVar variation 3008825 (VCV003008825.4), dbSNP rs748453507, ClinGen allele CA73975339.